The following is an entry in ClinVar:

NM_020964.3(EPG5):c.4413T>C (p.Leu1471=)

Gene: EPG5 (ectopic P-granules 5 autophagy tethering factor; minus strand). Cytogenetic location: 18q21.1.
Variant type: single nucleotide variant.
Coding change: c.4413T>C on transcript NM_020964.3 (MANE Select); coding-DNA position 4413, T replaced by C.
Protein change: p.Leu1471=; no amino-acid change (leucine 1471 retained).
Molecular consequence: synonymous variant.
Genome position (GRCh38, 1-based): chr18:45,904,034, A>G on the plus strand (T>C on the coding strand, the complement: EPG5 is on the minus strand). VCF-style: chr18-45904034-A-G. GRCh37 (hg19) VCF-style: chr18-43483999-A-G.
Identifiers: ClinVar variation 729509 (VCV000729509.12), dbSNP rs774537425, ClinGen allele CA8948873.

ClinVar aggregate classification (germline): Likely benign. Review status: criteria provided, multiple submitters, no conflicts (2 of 4 stars). 2 submissions from 2 submitters: Likely benign (2). Last evaluated 2026-06-01.

Conditions:
Vici syndrome (VICIS). Identifiers: Orphanet 1493, MedGen C1855772, MONDO:0009452, OMIM 242840.

Allele frequency attached by ClinVar (database versions not stated): gnomAD 0.00001; gnomAD exomes 0.00001 and 0.00003; TOPMed 0.00001; ExAC 0.00004.
gnomAD v4.1: 9 of 1,613,256 alleles (0.00056%); highest among the groups gnomAD compares: Admixed American, 0.015%; no homozygotes.

Submissions (2):

CeGaT Center for Human Genetics Tuebingen
Classification: Likely benign. Last evaluated: 2026-06-01. Review status: criteria provided, single submitter. Criteria: CeGaT Center For Human Genetics Tuebingen Variant Classification Criteria Version 2. Collection method: clinical testing. Allele origin: germline. Affected: yes. Observed: 1 variant allele.
Comment: EPG5: BP4, BP7

Labcorp Genetics (formerly Invitae), Labcorp
Classification: Likely benign for Vici syndrome. Last evaluated: 2025-10-29. Review status: criteria provided, single submitter. Criteria: Invitae Variant Classification Sherloc (09022015). Collection method: clinical testing. Allele origin: germline.